The following is an entry in ClinVar:

ClinVar aggregate classification (germline): Uncertain significance (1 of 4 stars; one submission).

Allele frequency attached by ClinVar (database versions not stated): TOPMed 0.00002; ESP Exome Variant Server 0.00008; gnomAD 0.00011; gnomAD exomes 0.00015; ExAC 0.00040; 1000 Genomes Project 30x 0.00094; 1000 Genomes Project 0.00120.
gnomAD v4.1: 232 of 1,613,570 alleles (0.014%); highest among the groups gnomAD compares: South Asian, 0.25%; 4 homozygotes.

Submission:

Ambry Genetics
Classification: Uncertain significance. Last evaluated: 2023-07-15. Review status: criteria provided, single submitter. Criteria: Ambry Variant Classification Scheme 2023. Collection method: clinical testing. Allele origin: germline.
Comment: The p.A97T variant (also known as c.289G>A), located in coding exon 2 of the POLQ gene, results from a G to A substitution at nucleotide position 289. The alanine at codon 97 is replaced by threonine, an amino acid with similar properties. This amino acid position is conserved. In addition, this alteration is predicted to be tolerated by in silico analysis. Since supporting evidence is limited at this time, the clinical significance of this alteration remains unclear.

NM_199420.4(POLQ):c.289G>A (p.Ala97Thr)

Gene: POLQ (DNA polymerase theta; minus strand). Cytogenetic location: 3q13.33.
Variant type: single nucleotide variant.
Coding change: c.289G>A on transcript NM_199420.4 (MANE Select); coding-DNA position 289, G replaced by A.
Protein change: p.Ala97Thr; replaces alanine 97 with threonine.
Molecular consequence: missense variant.
Genome position (GRCh38, 1-based): chr3:121,544,781, C>T on the plus strand (G>A on the coding strand, the complement: POLQ is on the minus strand). VCF-style: chr3-121544781-C-T. GRCh37 (hg19) VCF-style: chr3-121263628-C-T.
Other names: short protein forms A97T.
Identifiers: ClinVar variation 1797398 (VCV001797398.3), dbSNP rs370826767, ClinGen allele CA2563869.
Genomic context (GRCh38, chr3:121,544,781, plus strand): 5'-GGATACCTGAATAAACTAAATTCTTTCCTTCCAGGACTTGTCCAAGCAAAAGGCACTCTG[C>T]CTGCCATTCAAACATCTTTTTTACACCAAAACTGTGGTATTTTTCCAGAACTGCTTTAGG-3'
Protein context (NP_955452.3, residues 87-107): FGVKKMFEWQ[Ala97Thr]ECLLLGQVLE